The following is an entry in ClinVar:

NM_001348323.3(TRIP12):c.1903A>G (p.Asn635Asp)

Gene: TRIP12 (thyroid hormone receptor interactor 12; minus strand). Cytogenetic location: 2q36.3.
Variant type: single nucleotide variant.
Coding change: c.1903A>G on transcript NM_001348323.3 (MANE Select); coding-DNA position 1903, A replaced by G.
Protein change: p.Asn635Asp; replaces asparagine 635 with aspartic acid.
Molecular consequence: missense variant.
Genome position (GRCh38, 1-based): chr2:229,813,953, T>C on the plus strand (A>G on the coding strand, the complement: TRIP12 is on the minus strand). VCF-style: chr2-229813953-T-C. GRCh37 (hg19) VCF-style: chr2-230678669-T-C.
Other names: c.1903A>G, p.Asn635Asp (NM_001284214.2, NM_001348315.2, NM_001348319.1 and 11 more transcripts); c.1777A>G, p.Asn593Asp (NM_001284215.2, NM_001348316.2, NM_001348317.1 and 2 more transcripts); c.868A>G, p.Asn290Asp (NM_001284216.2); c.1816A>G, p.Asn606Asp (NM_001348332.1); c.1759A>G, p.Asn587Asp (NM_004238.3); short protein forms N606D, N635D, N593D, N290D, N587D.
Identifiers: ClinVar variation 4985728 (VCV004985728.1).

ClinVar aggregate classification (germline): Uncertain significance (1 of 4 stars; one submission).

Conditions:
TRIP12-related disorder. Also called: TRIP12-related condition.

gnomAD v4.1: 1 of 1,599,622 alleles (0.000063%); highest among the groups gnomAD compares: Non-Finnish European, 0.000086%; no homozygotes.

Submission:

PreventionGenetics, part of Exact Sciences
Classification: Uncertain significance for TRIP12-related condition. Last evaluated: 2025-09-15. Review status: criteria provided, single submitter. Criteria: ACMG Guidelines, 2015. Collection method: clinical testing. Allele origin: germline.
Comment: The TRIP12 c.1903A>G variant is predicted to result in the amino acid substitution p.Asn635Asp. To our knowledge, this variant has not been reported in the literature. This variant is reported in 0.00088% of alleles in individuals of European (Non-Finnish) descent in gnomAD. At this time, the clinical significance of this variant is uncertain due to the absence of conclusive functional and genetic evidence.